The following is an entry in ClinVar:

NM_014844.5(TECPR2):c.2434G>A (p.Gly812Ser)

Gene: TECPR2 (tectonin beta-propeller repeat containing 2; plus strand). Cytogenetic location: 14q32.31.
Variant type: single nucleotide variant.
Coding change: c.2434G>A on transcript NM_014844.5 (MANE Select); coding-DNA position 2434, G replaced by A.
Protein change: p.Gly812Ser; replaces glycine 812 with serine.
Molecular consequence: missense variant.
Genome position (GRCh38, 1-based): chr14:102,438,061, G>A. VCF-style: chr14-102438061-G-A. GRCh37 (hg19) VCF-style: chr14-102904398-G-A.
Other names: c.2434G>A, p.Gly812Ser (NM_001172631.3); short protein forms G812S.
Identifiers: ClinVar variation 2151479 (VCV002151479.1), dbSNP rs968012979, ClinGen allele CA267058780.
Genomic context (GRCh38, chr14:102,438,061, plus strand): 5'-CACTGGCTCTTCCCTTGTTAGTTTGCAGAAAGCTGGATGGGCTACTCGGGTCCCGGCTAT[G>A]GCATCCTCAGCTTGGTGGTCTCCGAGAAGTATATCTGGTGCCTGGACTACAAAGGCGGCC-3'
Protein context (NP_055659.2, residues 802-822): SWMGYSGPGY[Gly812Ser]ILSLVVSEKY

ClinVar aggregate classification (germline): Uncertain significance (1 of 4 stars; one submission).

Conditions:
Hereditary spastic paraplegia 49 (HSAN9). Also called: Spastic paraplegia 49, autosomal recessive; TECPR2-Related Hereditary Sensory and Autonomic Neuropathy with Intellectual Disability; NEUROPATHY, HEREDITARY SENSORY AND AUTONOMIC, TYPE IX, WITH DEVELOPMENTAL DELAY. Identifiers: Orphanet 320385, MedGen C5190860, MONDO:0014016, OMIM 615031.

Allele frequency attached by ClinVar (database versions not stated): gnomAD 0.00001; TOPMed 0.00001; gnomAD exomes 0.00002.
gnomAD v4.1: 27 of 1,614,032 alleles (0.0017%); highest among the groups gnomAD compares: Non-Finnish European, 0.0022%; no homozygotes.

Submission:

Labcorp Genetics (formerly Invitae), Labcorp
Classification: Uncertain significance for Hereditary spastic paraplegia 49. Last evaluated: 2022-06-03. Review status: criteria provided, single submitter. Criteria: Invitae Variant Classification Sherloc (09022015). Collection method: clinical testing. Allele origin: germline.
Comment: This sequence change replaces glycine, which is neutral and non-polar, with serine, which is neutral and polar, at codon 812 of the TECPR2 protein (p.Gly812Ser). This variant is not present in population databases (gnomAD no frequency). This variant has not been reported in the literature in individuals affected with TECPR2-related conditions. Algorithms developed to predict the effect of missense changes on protein structure and function are either unavailable or do not agree on the potential impact of this missense change (SIFT: "Deleterious"; PolyPhen-2: "Probably Damaging"; Align-GVGD: "Class C0"). Algorithms developed to predict the effect of sequence changes on RNA splicing suggest that this variant may create or strengthen a splice site. In summary, the available evidence is currently insufficient to determine the role of this variant in disease. Therefore, it has been classified as a Variant of Uncertain Significance.